The following is an entry in ClinVar:

NM_001366385.1(CARD14):c.2814C>A (p.Gly938=)

Genes: CARD14 (caspase recruitment domain family member 14; plus strand), SGSH (N-sulfoglucosamine sulfohydrolase; minus strand). Cytogenetic location: 17q25.3.
Variant type: single nucleotide variant.
Coding change: c.2814C>A on transcript NM_001366385.1 (MANE Select); coding-DNA position 2814, C replaced by A.
Protein change: p.Gly938=; no amino-acid change (glycine 938 retained).
Molecular consequence: synonymous variant. On other transcripts: non-coding transcript variant (1).
Genome position (GRCh38, 1-based): chr17:80,208,144, C>A. VCF-style: chr17-80208144-C-A. GRCh37 (hg19) VCF-style: chr17-78181943-C-A.
Other names: c.2814C>A, p.Gly938= (NM_024110.4).
Identifiers: ClinVar variation 4790982 (VCV004790982.2).

ClinVar aggregate classification (germline): Likely benign. Review status: criteria provided, multiple submitters, no conflicts (2 of 4 stars). 2 submissions from 2 submitters: Likely benign (2). Last evaluated 2026-08-01.

Conditions:
Pityriasis rubra pilaris (PRP). Also called: Pityriasis rubra pilaris--familial type. Identifiers: Orphanet 2897, MedGen C0032027, MONDO:0100017, OMIM 173200, MONDO:0008251.
Psoriasis 2. Identifiers: MedGen C1864497, MONDO:0011269, OMIM 602723.

gnomAD v4.1: 2 of 1,541,582 alleles (0.00013%); highest among the groups gnomAD compares: African/African-American, 0.0027%; no homozygotes.

Submissions (2):

CeGaT Center for Human Genetics Tuebingen
Classification: Likely benign. Last evaluated: 2026-08-01. Review status: criteria provided, single submitter. Criteria: CeGaT Center For Human Genetics Tuebingen Variant Classification Criteria Version 2. Collection method: clinical testing. Allele origin: germline. Affected: yes. Observed: 1 variant allele.
Comment: CARD14: BP4, BP7

Labcorp Genetics (formerly Invitae), Labcorp
Classification: Likely benign for Pityriasis rubra pilaris; Psoriasis 2. Last evaluated: 2026-01-19. Review status: criteria provided, single submitter. Criteria: Invitae Variant Classification Sherloc (09022015). Collection method: clinical testing. Allele origin: germline.